The following is an entry in ClinVar:

ClinVar aggregate classification (germline): Uncertain significance. Review status: criteria provided, multiple submitters, no conflicts (2 of 4 stars). 2 submissions from 2 submitters: Uncertain significance (2). Last evaluated 2023-10-13.

Allele frequency attached by ClinVar (database versions not stated): ExAC 0.00002; gnomAD exomes 0.00003 and 0.00004; gnomAD 0.00004; TOPMed 0.00005; ESP Exome Variant Server 0.00008.
gnomAD v4.1: 49 of 1,582,164 alleles (0.0031%); highest among the groups gnomAD compares: African/African-American, 0.004%; no homozygotes.

Submissions (2):

Ambry Genetics
Classification: Uncertain significance. Last evaluated: 2023-10-13. Review status: criteria provided, single submitter. Criteria: Ambry Variant Classification Scheme 2023. Collection method: clinical testing. Allele origin: germline.

Labcorp Genetics (formerly Invitae), Labcorp
Classification: Uncertain significance. Last evaluated: 2022-06-05. Review status: criteria provided, single submitter. Criteria: Invitae Variant Classification Sherloc (09022015). Collection method: clinical testing. Allele origin: germline.
Comment: This sequence change replaces arginine, which is basic and polar, with glutamine, which is neutral and polar, at codon 208 of the NUP85 protein (p.Arg208Gln). This variant is present in population databases (rs147965234, gnomAD 0.09%). This variant has not been reported in the literature in individuals affected with NUP85-related conditions. ClinVar contains an entry for this variant (Variation ID: 1410769). Algorithms developed to predict the effect of missense changes on protein structure and function (SIFT, PolyPhen-2, Align-GVGD) all suggest that this variant is likely to be tolerated. In summary, the available evidence is currently insufficient to determine the role of this variant in disease. Therefore, it has been classified as a Variant of Uncertain Significance.

NM_024844.5(NUP85):c.623G>A (p.Arg208Gln)

Gene: NUP85 (nucleoporin 85; plus strand). Cytogenetic location: 17q25.1.
Variant type: single nucleotide variant.
Coding change: c.623G>A on transcript NM_024844.5 (MANE Select); coding-DNA position 623, G replaced by A.
Protein change: p.Arg208Gln; replaces arginine 208 with glutamine.
Molecular consequence: missense variant. On other transcripts: intron variant (1).
Genome position (GRCh38, 1-based): chr17:75,225,128, G>A. VCF-style: chr17-75225128-G-A. GRCh37 (hg19) VCF-style: chr17-73221223-G-A.
Other names: c.485G>A, p.Arg162Gln (NM_001303276.2); c.598-214G>A (NM_001330472.2); c.623G>A (NM_024844.3); short protein forms R162Q, R208Q.
Identifiers: ClinVar variation 1410769 (VCV001410769.4), dbSNP rs147965234, ClinGen allele CA8758553.
Genomic context (GRCh38, chr17:75,225,128, plus strand): 5'-CCTGCCAATGCTTATGGGCCCGGATCTCCTCCCAGGTGACCATCTTGGTGCTGCAGGGCC[G>A]GCTGGATGAGGCCCGACAGATGCTCTCCAAGGAAGCCGATGCCAGCCCCGCCTCTGCAGG-3'
Protein context (NP_079120.1, residues 198-218): NLVTILVLQG[Arg208Gln]LDEARQMLSK